The following is an entry in ClinVar:

NM_001077415.3(CRELD1):c.1048+417_1048+418del

Gene: CRELD1 (CRELD disulfide isomerase 1; plus strand). Cytogenetic location: 3p25.3.
Variant type: Deletion.
Coding change: c.1048+417_1048+418del on transcript NM_001077415.3 (MANE Select); bases 417 to 418 of the intron after coding-DNA position 1048, 2 bases deleted (CT; older notation c.1048+417_1048+418delCT).
Molecular consequence: intron variant. On other transcripts: frameshift variant (3).
Genome position (GRCh38, 1-based): chr3:9,943,932-9,943,933, CT deleted. VCF-style (leftmost placement, unchanged base first): chr3-9943931-CCT-C. GRCh37 (hg19) VCF-style: chr3-9985615-CCT-C.
Other names: c.1079_1080del, p.Pro360fs (NM_001031717.4); c.1091_1092del, p.Pro364fs (NM_001374317.1, NM_001374318.1); c.964+417_964+418del (NM_001374319.1, NM_001374320.1); c.1048+417_1048+418del (NM_001374316.1, NM_015513.6); short protein forms P360fs, P364fs.
Identifiers: ClinVar variation 861074 (VCV000861074.6), dbSNP rs1188358849, ClinGen allele CA784261569.

ClinVar aggregate classification (germline): Pathogenic (1 of 4 stars; one submission).

Conditions:
Atrioventricular septal defect, susceptibility to, 2. Identifiers: MedGen C1853508, MONDO:0011650, OMIM 606217.

Allele frequency attached by ClinVar (database versions not stated): TOPMed 0.00001; gnomAD 0.00001; gnomAD exomes 0.00001.

Submission:

Labcorp Genetics (formerly Invitae), Labcorp
Classification: Pathogenic for Atrioventricular septal defect, susceptibility to, 2. Last evaluated: 2024-10-01. Review status: criteria provided, single submitter. Criteria: Invitae Variant Classification Sherloc (09022015). Collection method: clinical testing. Allele origin: germline.
Comment: This sequence change creates a premature translational stop signal (p.Pro360Argfs*25) in the CRELD1 gene. It is expected to result in an absent or disrupted protein product. Loss-of-function variants in CRELD1 are known to be pathogenic (PMID: 37947183). This variant is not present in population databases (gnomAD no frequency). This variant has not been reported in the literature in individuals affected with CRELD1-related conditions. ClinVar contains an entry for this variant (Variation ID: 861074). For these reasons, this variant has been classified as Pathogenic.

Literature cited by the submitters: PubMed 37947183.